The following is an entry in ClinVar:

NM_000214.3(JAG1):c.164G>A (p.Cys55Tyr)

Gene: JAG1 (jagged canonical Notch ligand 1; minus strand). Cytogenetic location: 20p12.2.
Variant type: single nucleotide variant.
Coding change: c.164G>A on transcript NM_000214.3 (MANE Select); coding-DNA position 164, G replaced by A.
Protein change: p.Cys55Tyr; replaces cysteine 55 with tyrosine.
Molecular consequence: missense variant.
Genome position (GRCh38, 1-based): chr20:10,672,924, C>T on the plus strand (G>A on the coding strand, the complement: JAG1 is on the minus strand). VCF-style: chr20-10672924-C-T. GRCh37 (hg19) VCF-style: chr20-10653572-C-T.
Other names: short protein forms C55Y.
Identifiers: ClinVar variation 3573255 (VCV003573255.2).
Genomic context (GRCh38, chr20:10,672,924, plus strand): 5'-AAGTATGTGTCACACTCGTCGCGGGTGCACTTGCGGTCTCCCGGGTTCCGGGCGCCGCCG[C>T]AGCAGTTCCCGTTCTGCAGCTCCCCGTTCACGTTCTGCATGGACAGGATCTCCAACTCGA-3'
Protein context (NP_000205.1, residues 45-65): VNGELQNGNC[Cys55Tyr]GGARNPGDRK

Conditions:
Arteriohepatic dysplasia. Also called: Alagille Syndrome. Identifiers: Orphanet 52, MedGen C0085280, MeSH D016738, MONDO:0007318.

Submission:

Gilbert/Spinner Lab, Children's Hospital of Philadelphia
No classification provided (evidence only). Condition: Alagille syndrome. Review status: no classification provided. Collection method: research. Allele origin: not applicable. Functional consequence: functionally_abnormal.
ClinVar note: "not provided" was previously submitted as the classification for the variant. However, the classification appeared to be based only on an observation of functional data so it was converted to no classification on 2025-07-30.